The following is an entry in ClinVar:

NM_020975.6(RET):c.3128G>A (p.Cys1043Tyr)

Gene: RET (ret proto-oncogene; plus strand). Cytogenetic location: 10q11.21.
Variant type: single nucleotide variant.
Coding change: c.3128G>A on transcript NM_020975.6 (MANE Select); coding-DNA position 3128, G replaced by A.
Protein change: p.Cys1043Tyr; replaces cysteine 1043 with tyrosine.
Molecular consequence: missense variant. On other transcripts: splice donor variant (4).
Genome position (GRCh38, 1-based): chr10:43,126,663, G>A. VCF-style: chr10-43126663-G-A. GRCh37 (hg19) VCF-style: chr10-43622111-G-A.
Other names: c.3128G>A, p.Cys1043Tyr (NM_000323.2, NM_001406743.1, NM_001406744.1 and 2 more transcripts); c.2366G>A, p.Cys789Tyr (NM_001355216.2); c.2999G>A, p.Cys1000Tyr (NM_001406761.1, NM_001406762.1, NM_001406764.1); c.2993G>A, p.Cys998Tyr (NM_001406763.1, NM_001406765.1); c.2840G>A, p.Cys947Tyr (NM_001406766.1, NM_001406767.1, NM_001406770.1); c.2864G>A, p.Cys955Tyr (NM_001406768.1); c.2732G>A, p.Cys911Tyr (NM_001406769.1, NM_001406772.1); c.2690G>A, p.Cys897Tyr (NM_001406771.1, NM_001406773.1); and 13 more; short protein forms C1043Y, C608Y, C699Y, C704Y, C713Y, C868Y, C897Y, C911Y.
Identifiers: ClinVar variation 2496745 (VCV002496745.4), dbSNP rs769476062, ClinGen allele CA042693.
Genomic context (GRCh38, chr10:43,126,663, plus strand): 5'-CATCTGACTCCCTGATTTATGACGACGGCCTCTCAGAGGAGGAGACACCGCTGGTGGACT[G>A]TAATAATGCCCCCCTCCCTCGAGCCCTCCCTTCCACATGGATTGAAAACAAACTCTATGG-3'
Protein context (NP_066124.1, residues 1033-1053): LSEEETPLVD[Cys1043Tyr]NNAPLPRALP

ClinVar aggregate classification (germline): Uncertain significance. Review status: criteria provided, multiple submitters, no conflicts (2 of 4 stars). 2 submissions from 2 submitters: Uncertain significance (2). Last evaluated 2025-07-14.

Conditions:
Hereditary cancer-predisposing syndrome. Also called: Neoplastic Syndromes, Hereditary; Hereditary neoplastic syndrome; Tumor predisposition; Hereditary Cancer Syndrome. Identifiers: Orphanet 140162, MedGen C0027672, MeSH D009386, MONDO:0015356.
Multiple endocrine neoplasia, type 2 (MEN2). Identifiers: Orphanet 653, MedGen C4048306, MONDO:0019003. Disease mechanism: gain of function.

Allele frequency attached by ClinVar (database versions not stated): ExAC 0.00001.

Submissions (2):

Ambry Genetics
Classification: Uncertain significance for Hereditary cancer-predisposing syndrome. Last evaluated: 2025-07-14. Review status: criteria provided, single submitter. Criteria: Ambry Variant Classification Scheme 2023. Collection method: clinical testing. Allele origin: germline.
Comment: The p.C1043Y variant (also known as c.3128G>A), located in coding exon 19 of the RET gene, results from a G to A substitution at nucleotide position 3128. The cysteine at codon 1043 is replaced by tyrosine, an amino acid with highly dissimilar properties. This amino acid position is conserved. In addition, this alteration is predicted to be deleterious by in silico analysis. Since supporting evidence is limited at this time, the clinical significance of this alteration remains unclear.

All of Us Research Program, National Institutes of Health
Classification: Uncertain significance for Multiple endocrine neoplasia, type 2. Last evaluated: 2023-09-17. Review status: criteria provided, single submitter. Criteria: ACMG Guidelines, 2015. Collection method: clinical testing. Allele origin: germline. Inheritance: Autosomal dominant inheritance. Observed: 1 variant allele, 1 heterozygote.
Comment: This missense variant replaces cysteine with tyrosine at codon 1043 of the RET protein. Computational prediction is inconclusive regarding the impact of this variant on protein structure and function (internally defined REVEL score threshold 0.5 < inconclusive < 0.7, PMID: 27666373). To our knowledge, functional studies have not been reported for this variant. This variant has not been reported in individuals affected with RET-related disorders in the literature. This variant has been identified in 1/251468 chromosomes in the general population by the Genome Aggregation Database (gnomAD). The available evidence is insufficient to determine the role of this variant in disease conclusively. Therefore, this variant is classified as a Variant of Uncertain Significance.

This study involves interpretation of variants in research participants for the purpose of population health screening. Participant phenotype was not available at the time of variant classification. Additional details can be found in publication PMID: 35346344, PMCID: PMC8962531